The following is an entry in ClinVar:

ClinVar aggregate classification (germline): Uncertain significance. Review status: criteria provided, multiple submitters, no conflicts (2 of 4 stars). 2 submissions from 2 submitters: Uncertain significance (2). Last evaluated 2026-07-07.

Conditions:
Mitochondrial complex II deficiency, nuclear type 1. Also called: SUCCINATE CoQ REDUCTASE DEFICIENCY. Identifiers: Orphanet 3208, MedGen C5700310, MONDO:0100294, OMIM 252011.
Pheochromocytoma/paraganglioma syndrome 5. Also called: Paragangliomas 5; SDHA-Related Hereditary Paraganglioma-Pheochromocytoma Syndrome. Identifiers: Orphanet 29072, MedGen C3279992, MONDO:0013602, OMIM 614165.
Hereditary cancer-predisposing syndrome. Also called: Neoplastic Syndromes, Hereditary; Hereditary neoplastic syndrome; Hereditary Cancer Syndrome; Tumor predisposition. Identifiers: Orphanet 140162, MedGen C0027672, MeSH D009386, MONDO:0015356.

Submissions (2):

Ambry Genetics
Classification: Uncertain significance for Hereditary cancer-predisposing syndrome. Last evaluated: 2026-07-07. Review status: criteria provided, single submitter. Criteria: Ambry Variant Classification Scheme 2023. Collection method: clinical testing. Allele origin: germline.
Comment: The p.A391S variant (also known as c.1171G>T), located in coding exon 9 of the SDHA gene, results from a G to T substitution at nucleotide position 1171. The alanine at codon 391 is replaced by serine, an amino acid with similar properties. This amino acid position is conserved. In addition, the in silico prediction for this alteration is inconclusive. Based on the available evidence, the clinical significance of this variant remains unclear.

Labcorp Genetics (formerly Invitae), Labcorp
Classification: Uncertain significance for Pheochromocytoma/paraganglioma syndrome 5; Mitochondrial complex II deficiency, nuclear type 1. Last evaluated: 2024-04-05. Review status: criteria provided, single submitter. Criteria: Invitae Variant Classification Sherloc (09022015). Collection method: clinical testing. Allele origin: germline.
Comment: This sequence change replaces alanine, which is neutral and non-polar, with serine, which is neutral and polar, at codon 391 of the SDHA protein (p.Ala391Ser). This variant is not present in population databases (gnomAD no frequency). This variant has not been reported in the literature in individuals affected with SDHA-related conditions. ClinVar contains an entry for this variant (Variation ID: 472303). Advanced modeling of protein sequence and biophysical properties (such as structural, functional, and spatial information, amino acid conservation, physicochemical variation, residue mobility, and thermodynamic stability) performed at Invitae indicates that this missense variant is not expected to disrupt SDHA protein function with a negative predictive value of 95%. In summary, the available evidence is currently insufficient to determine the role of this variant in disease. Therefore, it has been classified as a Variant of Uncertain Significance.

NM_004168.4(SDHA):c.1171G>T (p.Ala391Ser)

Gene: SDHA (succinate dehydrogenase complex flavoprotein subunit A; plus strand). Cytogenetic location: 5p15.33.
Variant type: single nucleotide variant.
Coding change: c.1171G>T on transcript NM_004168.4 (MANE Select); coding-DNA position 1171, G replaced by T.
Protein change: p.Ala391Ser; replaces alanine 391 with serine.
Molecular consequence: missense variant.
Genome position (GRCh38, 1-based): chr5:235,250, G>T. VCF-style: chr5-235250-G-T. GRCh37 (hg19) VCF-style: chr5-235365-G-T.
Other names: c.1027G>T, p.Ala343Ser (NM_001294332.2); c.1171G>T, p.Ala391Ser (NM_001330758.2); c.1171G>T (NM_004168.2); short protein forms A391S, A343S.
Identifiers: ClinVar variation 472303 (VCV000472303.18), dbSNP rs376597185, ClinGen allele CA359013600.
Genomic context (GRCh38, chr5:235,250, plus strand): 5'-CTACCTCCAGAGCAGCTGGCCACGCGCCTGCCTGGCATTTCAGAGACAGCCATGATCTTC[G>T]CTGGCGTGGACGTCACGAAGGAGCCGATCCCTGTCCTCCCCACCGTGCATTATAACATGG-3'
Protein context (NP_004159.2, residues 381-401): PGISETAMIF[Ala391Ser]GVDVTKEPIP